The following is an entry in ClinVar:

NM_032444.4(SLX4):c.3578C>T (p.Ser1193Phe)

Gene: SLX4 (SLX4 structure-specific endonuclease subunit; minus strand). Cytogenetic location: 16p13.3.
Variant type: single nucleotide variant.
Coding change: c.3578C>T on transcript NM_032444.4 (MANE Select); coding-DNA position 3578, C replaced by T.
Protein change: p.Ser1193Phe; replaces serine 1193 with phenylalanine.
Molecular consequence: missense variant.
Genome position (GRCh38, 1-based): chr16:3,590,060, G>A on the plus strand (C>T on the coding strand, the complement: SLX4 is on the minus strand). VCF-style: chr16-3590060-G-A. GRCh37 (hg19) VCF-style: chr16-3640061-G-A.
Other names: short protein forms S1193F.
Identifiers: ClinVar variation 1010577 (VCV001010577.7), dbSNP rs368695839, ClinGen allele CA7865898.

ClinVar aggregate classification (germline): Uncertain significance. Review status: criteria provided, multiple submitters, no conflicts (2 of 4 stars). 2 submissions from 2 submitters: Uncertain significance (2). Last evaluated 2024-10-09.

Conditions:
Fanconi anemia complementation group P. Also called: SLX4-Related Fanconi Anemia. Identifiers: Orphanet 84, MedGen C3469542, MONDO:0013499, OMIM 613951.
Fanconi anemia (FA). Also called: Fanconi's anemia. Identifiers: Orphanet 84, MedGen C0015625, MeSH D005199, MONDO:0019391.

Allele frequency attached by ClinVar (database versions not stated): gnomAD exomes below 0.00001 and 0.00001; ExAC 0.00001; gnomAD 0.00001; ESP Exome Variant Server 0.00008.
gnomAD v4.1: 10 of 1,614,060 alleles (0.00062%); highest among the groups gnomAD compares: Non-Finnish European, 0.00085%; no homozygotes.

Submissions (2):

Labcorp Genetics (formerly Invitae), Labcorp
Classification: Uncertain significance for Fanconi anemia. Last evaluated: 2024-10-09. Review status: criteria provided, single submitter. Criteria: Invitae Variant Classification Sherloc (09022015). Collection method: clinical testing. Allele origin: germline.
Comment: This sequence change replaces serine, which is neutral and polar, with phenylalanine, which is neutral and non-polar, at codon 1193 of the SLX4 protein (p.Ser1193Phe). This variant is present in population databases (rs368695839, gnomAD 0.002%). This variant has not been reported in the literature in individuals affected with SLX4-related conditions. ClinVar contains an entry for this variant (Variation ID: 1010577). An algorithm developed to predict the effect of missense changes on protein structure and function (PolyPhen-2) suggests that this variant is likely to be disruptive. In summary, the available evidence is currently insufficient to determine the role of this variant in disease. Therefore, it has been classified as a Variant of Uncertain Significance.

Fulgent Genetics
Classification: Uncertain significance for Fanconi anemia complementation group P. Last evaluated: 2022-03-26. Review status: criteria provided, single submitter. Criteria: ACMG Guidelines, 2015. Collection method: clinical testing. Allele origin: unknown.